The following is an entry in ClinVar:

ClinVar aggregate classification (germline): Benign/Likely benign. Review status: criteria provided, multiple submitters, no conflicts (2 of 4 stars). 7 submissions from 7 submitters: Benign (1); Likely benign (5). 1 of the submissions does not count toward it. Last evaluated 2026-02-01.

Conditions:
FG syndrome (FGS). Identifiers: MedGen C0220769, MONDO:0002010.
Familial thoracic aortic aneurysm and aortic dissection (TAAD). Also called: Thoracic aortic aneurysms and dissections. Identifiers: Orphanet 91387, MedGen C4707243, MONDO:0019625.
MED12-Related Disorders. Also called: MED12-related condition; MED12-related disorder. Identifiers: MedGen CN381102.

Allele frequency attached by ClinVar (database versions not stated): ExAC 0.00005; gnomAD exomes 0.00009 and 0.00029; gnomAD 0.00015; TOPMed 0.00015; ESP Exome Variant Server 0.00019.
gnomAD v4.1: 322 of 1,208,809 alleles (0.027%); highest among the groups gnomAD compares: Non-Finnish European, 0.035%; no homozygotes.

Submissions (7):

Labcorp Genetics (formerly Invitae), Labcorp
Classification: Likely benign for FG syndrome. Last evaluated: 2026-02-01. Review status: criteria provided, single submitter. Criteria: Invitae Variant Classification Sherloc (09022015). Collection method: clinical testing. Allele origin: germline.

Blueprint Genetics
Classification: Likely benign. Last evaluated: 2024-05-31. Review status: criteria provided, single submitter. Criteria: ACMG Guidelines, 2015. Collection method: clinical testing. Allele origin: germline.

CeGaT Center for Human Genetics Tuebingen
Classification: Likely benign. Last evaluated: 2022-07-01. Review status: criteria provided, single submitter. Criteria: CeGaT Center For Human Genetics Tuebingen Variant Classification Criteria Version 2. Collection method: clinical testing. Allele origin: germline. Affected: yes. Observed: 2 variant alleles.
Comment: MED12: BP4, BP7

Genetic Services Laboratory, University of Chicago
Classification: Likely benign. Last evaluated: 2016-06-30. Review status: criteria provided, single submitter. Criteria: ACMG Guidelines, 2015. Collection method: clinical testing. Allele origin: germline. Affected: no.

GeneDx
Classification: Benign. Last evaluated: 2015-06-25. Review status: criteria provided, single submitter. Criteria: GeneDx Variant Classification (06012015). Collection method: clinical testing. Allele origin: germline. Affected: yes.
Comment: This variant is considered likely benign or benign based on one or more of the following criteria: it is a conservative change, it occurs at a poorly conserved position in the protein, it is predicted to be benign by multiple in silico algorithms, and/or has population frequency not consistent with disease.

Ambry Genetics
Classification: Likely benign for Familial thoracic aortic aneurysm and aortic dissection. Last evaluated: 2015-04-14. Review status: criteria provided, single submitter. Criteria: Ambry Variant Classification Scheme 2023. Collection method: clinical testing. Allele origin: germline.

PreventionGenetics, part of Exact Sciences
Classification: Likely benign for MED12-related condition. Last evaluated: 2021-05-05. Review status: no assertion criteria provided. Collection method: clinical testing. Allele origin: germline. Not counted in ClinVar's aggregate classification.
Comment: This variant is classified as likely benign based on ACMG/AMP sequence variant interpretation guidelines (Richards et al. 2015 PMID: 25741868, with internal and published modifications).

NM_005120.3(MED12):c.4179A>C (p.Ser1393=)

Gene: MED12 (mediator complex subunit 12; plus strand). Cytogenetic location: Xq13.1.
Variant type: single nucleotide variant.
Coding change: c.4179A>C on transcript NM_005120.3 (MANE Select); coding-DNA position 4179, A replaced by C.
Protein change: p.Ser1393=; no amino-acid change (serine 1393 retained).
Molecular consequence: synonymous variant.
Genome position (GRCh38, 1-based): chrX:71,132,132, A>C. VCF-style: chrX-71132132-A-C. GRCh37 (hg19) VCF-style: chrX-70351982-A-C.
Identifiers: ClinVar variation 211475 (VCV000211475.63), dbSNP rs376058351, ClinGen allele CA211156.